The following is an entry in ClinVar:

NM_177438.3(DICER1):c.2181T>C (p.Asp727=)

Gene: DICER1 (dicer 1, ribonuclease III; minus strand). Cytogenetic location: 14q32.13.
Variant type: single nucleotide variant.
Coding change: c.2181T>C on transcript NM_177438.3 (MANE Select); coding-DNA position 2181, T replaced by C.
Protein change: p.Asp727=; no amino-acid change (aspartic acid 727 retained).
Molecular consequence: synonymous variant.
Genome position (GRCh38, 1-based): chr14:95,111,392, A>G on the plus strand (T>C on the coding strand, the complement: DICER1 is on the minus strand). VCF-style: chr14-95111392-A-G. GRCh37 (hg19) VCF-style: chr14-95577729-A-G.
Other names: c.2181T>C, p.Asp727= (NM_001195573.1, NM_001271282.3, NM_001291628.2 and 1 more transcripts).
Identifiers: ClinVar variation 706600 (VCV000706600.17), dbSNP rs1306572410, ClinGen allele CA487628726.

ClinVar aggregate classification (germline): Benign/Likely benign. Review status: criteria provided, multiple submitters, no conflicts (2 of 4 stars). 3 submissions from 3 submitters: Benign (1); Likely benign (2). Last evaluated 2026-04-16.

Conditions:
DICER1-related tumor predisposition. Also called: DICER1-related pleuropulmonary blastoma cancer predisposition syndrome; DICER1 syndrome. Identifiers: Orphanet 284343, MedGen C3839822, MONDO:0100216.
Hereditary cancer-predisposing syndrome. Also called: Hereditary Cancer Syndrome; Hereditary neoplastic syndrome; Neoplastic Syndromes, Hereditary; Tumor predisposition. Identifiers: Orphanet 140162, MedGen C0027672, MeSH D009386, MONDO:0015356.

Allele frequency attached by ClinVar (database versions not stated): gnomAD exomes 0.00001; TOPMed below 0.00001; gnomAD 0.00001.
gnomAD v4.1: 10 of 1,614,036 alleles (0.00062%); highest among the groups gnomAD compares: Non-Finnish European, 0.00085%; no homozygotes.

Submissions (3):

Myriad Genetics, Inc.
Classification: Benign for DICER1-related tumor predisposition. Last evaluated: 2026-04-16. Review status: criteria provided, single submitter. Criteria: Myriad Autosomal Dominant, Autosomal Recessive and X-Linked Classification Criteria (2023). Collection method: clinical testing. Allele origin: unknown.
Comment: This variant is considered benign. This variant is a silent/synonymous amino acid change and it is not expected to impact splicing.

Labcorp Genetics (formerly Invitae), Labcorp
Classification: Likely benign for DICER1-related tumor predisposition. Last evaluated: 2025-12-08. Review status: criteria provided, single submitter. Criteria: Invitae Variant Classification Sherloc (09022015). Collection method: clinical testing. Allele origin: germline.

Ambry Genetics
Classification: Likely benign for Hereditary cancer-predisposing syndrome. Last evaluated: 2017-10-05. Review status: criteria provided, single submitter. Criteria: Ambry Variant Classification Scheme 2023. Collection method: clinical testing. Allele origin: germline.